The following is an entry in ClinVar:

NM_001257180.2(SLC20A2):c.1361T>A (p.Met454Lys)

Gene: SLC20A2 (solute carrier family 20 member 2; minus strand). Cytogenetic location: 8p11.21.
Variant type: single nucleotide variant.
Coding change: c.1361T>A on transcript NM_001257180.2 (MANE Select); coding-DNA position 1361, T replaced by A.
Protein change: p.Met454Lys; replaces methionine 454 with lysine.
Molecular consequence: missense variant.
Genome position (GRCh38, 1-based): chr8:42,437,151, A>T on the plus strand (T>A on the coding strand, the complement: SLC20A2 is on the minus strand). VCF-style: chr8-42437151-A-T. GRCh37 (hg19) VCF-style: chr8-42294669-A-T.
Other names: c.1361T>A, p.Met454Lys (NM_001257181.2, NM_006749.5); short protein forms M454K.
Identifiers: ClinVar variation 3776596 (VCV003776596.1).

ClinVar aggregate classification (germline): Uncertain significance (1 of 4 stars; one submission).

Submission:

GeneDx
Classification: Uncertain significance. Last evaluated: 2024-10-01. Review status: criteria provided, single submitter. Criteria: GeneDx Variant Classification Process June 2021. Collection method: clinical testing. Allele origin: germline. Affected: yes.
Comment: Not observed at significant frequency in large population cohorts (gnomAD); In silico analysis indicates that this missense variant does not alter protein structure/function; Has not been previously published as pathogenic or benign to our knowledge